The following is an entry in ClinVar:

ClinVar aggregate classification (germline): Pathogenic/Likely pathogenic. Review status: criteria provided, multiple submitters, no conflicts (2 of 4 stars). 2 submissions from 2 submitters: Pathogenic (1); Likely pathogenic (1). Last evaluated 2025-02-05.

Conditions:
Retinitis pigmentosa 25 (RP25). Identifiers: Orphanet 791, MedGen C1864446, MONDO:0011272, OMIM 602772.

Submissions (2):

SingHealth Duke-NUS Institute of Precision Medicine
Classification: Likely pathogenic for Retinitis pigmentosa 25. Last evaluated: 2025-02-05. Review status: criteria provided, single submitter. Criteria: PRISM ACMG Classification Criteria. Collection method: clinical testing. Allele origin: germline. Affected: yes.
Comment: Variant is predicted to cause nonsense-mediated decay in a gene where LOF is a known cause of pathogenicity (PVS1). Variant is not found in gnomAD exomes or genomes (PM2).

Labcorp Genetics (formerly Invitae), Labcorp
Classification: Pathogenic. Last evaluated: 2024-02-16. Review status: criteria provided, single submitter. Criteria: Invitae Variant Classification Sherloc (09022015). Collection method: clinical testing. Allele origin: germline.
Comment: This sequence change creates a premature translational stop signal (p.Phe2424Serfs*24) in the EYS gene. It is expected to result in an absent or disrupted protein product. Loss-of-function variants in EYS are known to be pathogenic (PMID: 18836446, 20333770). This variant is not present in population databases (gnomAD no frequency). This variant has not been reported in the literature in individuals affected with EYS-related conditions. For these reasons, this variant has been classified as Pathogenic.

Literature cited by the submitters: PubMed 18836446 (cited by Labcorp Genetics (formerly Invitae), Labcorp); PubMed 20333770 (cited by Labcorp Genetics (formerly Invitae), Labcorp).

NM_001142800.2(EYS):c.7269_7270dup (p.Phe2424fs)

Gene: EYS (EGF-like photoreceptor maintenance factor; minus strand). Cytogenetic location: 6q12.
Variant type: Duplication.
Coding change: c.7269_7270dup on transcript NM_001142800.2 (MANE Select); coding-DNA positions 7269 to 7270, 2 bases duplicated (CT; older notation c.7269_7270dupCT).
Protein change: p.Phe2424fs; shifts the reading frame from phenylalanine 2424.
Molecular consequence: frameshift variant.
Genome position (GRCh38, 1-based): chr6:63,806,331-63,806,332, AG duplicated on the plus strand (CT on the coding strand, the reverse complement: EYS is on the minus strand). VCF-style (leftmost placement, unchanged base first): chr6-63806330-A-AAG. GRCh37 (hg19) VCF-style: chr6-64516223-A-AAG.
Other names: c.7269_7270dup, p.Phe2424fs (NM_001292009.2); short protein forms F2424fs.
Identifiers: ClinVar variation 3698415 (VCV003698415.3).
Genomic context (GRCh38, chr6:63,806,330, plus strand): 5'-AATTCATAATGGAAGCTGATGTCTGAGATCCGTGAATAAGCCAGGAATGAGGTGTATCCA[A>AAG]AGGCATCTGTGCCACTGAACCTTGGCTGAGTAATATTAATAGCTGTGAAAAAACCCAAAC-3'